The following is an entry in ClinVar:

NM_000245.4(MET):c.1311C>G (p.Val437=)

Gene: MET (MET proto-oncogene, receptor tyrosine kinase; plus strand). Cytogenetic location: 7q31.2.
Variant type: single nucleotide variant.
Coding change: c.1311C>G on transcript NM_000245.4 (MANE Select); coding-DNA position 1311, C replaced by G.
Protein change: p.Val437=; no amino-acid change (valine 437 retained).
Molecular consequence: synonymous variant.
Genome position (GRCh38, 1-based): chr7:116,731,778, C>G. VCF-style: chr7-116731778-C-G. GRCh37 (hg19) VCF-style: chr7-116371832-C-G.
Other names: c.1311C>G, p.Val437= (NM_001127500.3, NM_001324401.3); c.21C>G, p.Val7= (NM_001324402.2).
Identifiers: ClinVar variation 1769670 (VCV001769670.8), dbSNP rs1324576950, ClinGen allele CA457215181.
Genomic context (GRCh38, chr7:116,731,778, plus strand): 5'-AACAGAGTTTACCACAGCTTTGCAGCGCGTTGACTTATTCATGGGTCAATTCAGCGAAGT[C>G]CTCTTAACATCTATATCCACCTTCATTAAAGGAGACCTCACCATAGCTAATCTTGGGACA-3'
Protein context (NP_000236.2, residues 427-447): VDLFMGQFSE[Val437=]LLTSISTFIK

ClinVar aggregate classification (germline): Benign/Likely benign. Review status: criteria provided, multiple submitters, no conflicts (2 of 4 stars). 3 submissions from 3 submitters: Benign (2); Likely benign (1). Last evaluated 2024-11-07.

Conditions:
Renal cell carcinoma. Identifiers: Orphanet 217071, MedGen C0007134, MeSH D002292, MONDO:0005086, HP:0005584.
Hereditary cancer-predisposing syndrome. Also called: Hereditary Cancer Syndrome; Hereditary neoplastic syndrome; Neoplastic Syndromes, Hereditary; Tumor predisposition. Identifiers: Orphanet 140162, MedGen C0027672, MeSH D009386, MONDO:0015356.
Papillary renal cell carcinoma type 1 (RCCP1). Also called: RENAL CELL CARCINOMA, PAPILLARY, 1, SOMATIC; Renal adenocarcinoma; Renal cell carcinoma 1; Renal cell carcinoma, somatic. Identifiers: Orphanet 47044, MedGen C1336839, OMIM 605074, HP:0011797.

Allele frequency attached by ClinVar (database versions not stated): gnomAD 0.00001; TOPMed 0.00001.
gnomAD v4.1: 2 of 1,614,036 alleles (0.00012%); highest among the groups gnomAD compares: African/African-American, 0.0027%; no homozygotes.

Submissions (3):

Myriad Genetics, Inc.
Classification: Benign for Papillary renal cell carcinoma type 1. Last evaluated: 2024-11-07. Review status: criteria provided, single submitter. Criteria: Myriad Autosomal Dominant, Autosomal Recessive and X-Linked Classification Criteria (2023). Collection method: clinical testing. Allele origin: unknown.
Comment: This variant is considered benign. This variant is a silent/synonymous amino acid change and it is not expected to impact splicing.

Labcorp Genetics (formerly Invitae), Labcorp
Classification: Benign for Renal cell carcinoma. Last evaluated: 2023-04-19. Review status: criteria provided, single submitter. Criteria: Invitae Variant Classification Sherloc (09022015). Collection method: clinical testing. Allele origin: germline.

Ambry Genetics
Classification: Likely benign for Hereditary cancer-predisposing syndrome. Last evaluated: 2020-11-06. Review status: criteria provided, single submitter. Criteria: Ambry Variant Classification Scheme 2023. Collection method: clinical testing. Allele origin: germline.